The following is an entry in ClinVar:

NM_001040142.2(SCN2A):c.1361A>T (p.Lys454Ile)

Gene: SCN2A (sodium voltage-gated channel alpha subunit 2; plus strand). Cytogenetic location: 2q24.3.
Variant type: single nucleotide variant.
Coding change: c.1361A>T on transcript NM_001040142.2 (MANE Select); coding-DNA position 1361, A replaced by T.
Protein change: p.Lys454Ile; replaces lysine 454 with isoleucine.
Molecular consequence: missense variant.
Genome position (GRCh38, 1-based): chr2:165,314,086, A>T. VCF-style: chr2-165314086-A-T. GRCh37 (hg19) VCF-style: chr2-166170596-A-T.
Other names: c.1361A>T, p.Lys454Ile (NM_001040143.2, NM_001371246.1, NM_001371247.1 and 1 more transcripts); short protein forms K454I.
Identifiers: ClinVar variation 1720151 (VCV001720151.6), dbSNP rs2467903140, ClinGen allele CA349022470.

ClinVar aggregate classification (germline): Uncertain significance (1 of 4 stars; one submission).

Conditions:
Seizures, benign familial infantile, 3 (BFIS3). Also called: CONVULSIONS, BENIGN FAMILIAL INFANTILE, 3; Familial neonatal seizures. Identifiers: Orphanet 140927, Orphanet 306, MedGen C1843140, MONDO:0011904, OMIM 607745.
Developmental and epileptic encephalopathy, 11 (DEE11). Also called: Early infantile epileptic encephalopathy 11. Identifiers: Orphanet 1934, MedGen C3150987, MONDO:0013388, OMIM 613721.

Submission:

Labcorp Genetics (formerly Invitae), Labcorp
Classification: Uncertain significance for Seizures, benign familial infantile, 3; Developmental and epileptic encephalopathy, 11. Last evaluated: 2022-09-23. Review status: criteria provided, single submitter. Criteria: Invitae Variant Classification Sherloc (09022015). Collection method: clinical testing. Allele origin: germline.
Comment: This variant is not present in population databases (gnomAD no frequency). This sequence change replaces lysine, which is basic and polar, with isoleucine, which is neutral and non-polar, at codon 454 of the SCN2A protein (p.Lys454Ile). This variant has not been reported in the literature in individuals affected with SCN2A-related conditions. In summary, the available evidence is currently insufficient to determine the role of this variant in disease. Therefore, it has been classified as a Variant of Uncertain Significance. Advanced modeling of protein sequence and biophysical properties (such as structural, functional, and spatial information, amino acid conservation, physicochemical variation, residue mobility, and thermodynamic stability) performed at Invitae indicates that this missense variant is expected to disrupt SCN2A protein function.